The following is an entry in ClinVar:

ClinVar aggregate classification (germline): Uncertain significance (1 of 4 stars; one submission).

Conditions:
Saldino-Mainzer syndrome (SRTD9). Also called: Renal dysplasia, retinal pigmentary dystrophy, cerebellar ataxia and skeletal dysplasia; CONORENAL SYNDROME; short-rib thoracic dysplasia 9 with or without polydactyly; SHORT-RIB THORACIC DYSPLASIA 9 WITHOUT POLYDACTYLY. Identifiers: Orphanet 140969, MedGen C1849437, MONDO:0009964, OMIM 266920.

Allele frequency attached by ClinVar (database versions not stated): gnomAD 0.00001; gnomAD exomes 0.00001.

Submission:

Labcorp Genetics (formerly Invitae), Labcorp
Classification: Uncertain significance for Saldino-Mainzer syndrome. Last evaluated: 2022-06-01. Review status: criteria provided, single submitter. Criteria: Invitae Variant Classification Sherloc (09022015). Collection method: clinical testing. Allele origin: germline.
Comment: In summary, the available evidence is currently insufficient to determine the role of this variant in disease. Therefore, it has been classified as a Variant of Uncertain Significance. Algorithms developed to predict the effect of missense changes on protein structure and function are either unavailable or do not agree on the potential impact of this missense change (SIFT: "Tolerated"; PolyPhen-2: "Possibly Damaging"; Align-GVGD: "Class C0"). This variant has not been reported in the literature in individuals affected with IFT140-related conditions. This variant is not present in population databases (gnomAD no frequency). This sequence change replaces serine, which is neutral and polar, with phenylalanine, which is neutral and non-polar, at codon 1063 of the IFT140 protein (p.Ser1063Phe).

NM_014714.4(IFT140):c.3188C>T (p.Ser1063Phe)

Gene: IFT140 (intraflagellar transport 140; minus strand). Cytogenetic location: 16p13.3.
Variant type: single nucleotide variant.
Coding change: c.3188C>T on transcript NM_014714.4 (MANE Select); coding-DNA position 3188, C replaced by T.
Protein change: p.Ser1063Phe; replaces serine 1063 with phenylalanine.
Molecular consequence: missense variant.
Genome position (GRCh38, 1-based): chr16:1,523,910, G>A on the plus strand (C>T on the coding strand, the complement: IFT140 is on the minus strand). VCF-style: chr16-1523910-G-A. GRCh37 (hg19) VCF-style: chr16-1573911-G-A.
Other names: short protein forms S1063F.
Identifiers: ClinVar variation 1981899 (VCV001981899.4), dbSNP rs2040596932, ClinGen allele CA394225713.